The following is an entry in ClinVar:

ClinVar aggregate classification (germline): Likely pathogenic (1 of 4 stars; one submission).

Conditions:
Aniridia 1 (AN1). Identifiers: Orphanet 250923, MedGen C0344542, MONDO:0024507, OMIM 106210.

Submission:

3billion
Classification: Likely pathogenic for Aniridia 1. Last evaluated: 2023-12-04. Review status: criteria provided, single submitter. Criteria: ACMG Guidelines, 2015. Collection method: clinical testing. Allele origin: germline. Affected: yes.
Comment: The variant is not observed in the gnomAD v2.1.1 dataset. Predicted Consequence/Location: Frameshift: predicted to result in a loss or disruption of normal protein function through nonsense-mediated decay (NMD) or protein truncation. Multiple pathogenic variants are reported downstream of the variant. Therefore, this variant is classified as Likely pathogenic according to the recommendation of ACMG/AMP guideline.

NM_001368894.2(PAX6):c.141+35_141+36insT

Gene: PAX6 (paired box 6; minus strand). Cytogenetic location: 11p13.
Variant type: Insertion.
Coding change: c.141+35_141+36insT on transcript NM_001368894.2 (MANE Select); bases 35 to 36 of the intron after coding-DNA position 141, T inserted.
Molecular consequence: intron variant. On other transcripts: frameshift variant (3).
Genome position: GRCh38 VCF-style: chr11-31802668-C-CA. GRCh37 (hg19) VCF-style: chr11-31824216-C-CA.
Other names: c.176_177insT, p.Arg60fs (NM_001368918.2, NM_001368919.2, NM_001368920.2); c.141+35_141+36insT (NM_001127612.3, NM_001368921.2, NM_001368923.2 and 27 more transcripts); c.384+35_384+36insT (NM_001368910.2); c.-267-893_-267-892insT (NM_001368909.2, NM_001368904.2); c.144+35_144+36insT (NM_001368911.2); c.-641+35_-641+36insT (NM_001368905.2, NM_001310160.2); c.-268+35_-268+36insT (NM_001368906.2, NM_001368901.2, NM_001368899.2 and 1 more transcripts); c.-310+35_-310+36insT (NM_001368908.2, NM_001310161.3, NM_001368900.2 and 2 more transcripts); and 1 more; short protein forms R60fs.
Identifiers: ClinVar variation 3775972 (VCV003775972.1).